The following is an entry in ClinVar:

ClinVar aggregate classification (germline): Uncertain significance. Review status: criteria provided, multiple submitters, no conflicts (2 of 4 stars). 3 submissions from 3 submitters: Uncertain significance (3). Last evaluated 2024-02-24.

Conditions:
Muscular dystrophy-dystroglycanopathy (congenital with brain and eye anomalies), type A2. Also called: WALKER-WARBURG SYNDROME OR MUSCLE-EYE-BRAIN DISEASE, POMT2-RELATED; MUSCULAR DYSTROPHY-DYSTROGLYCANOPATHY (CONGENITAL WITH BRAIN AND EYE ANOMALIES), TYPE A, 2. Identifiers: Orphanet 588, Orphanet 899, MedGen C3150411, MONDO:0013154, OMIM 613150.
Muscular dystrophy-dystroglycanopathy (congenital with impaired intellectual development), type B, 2. Also called: Muscular dystrophy-dystroglycanopathy (congenital with intellectual disability), type B2; MUSCULAR DYSTROPHY, CONGENITAL, POMT2-RELATED. Identifiers: MedGen C3150416, MONDO:0013160, OMIM 613156.
Autosomal recessive limb-girdle muscular dystrophy type 2N. Also called: MUSCULAR DYSTROPHY-DYSTROGLYCANOPATHY, LIMB-GIRDLE, POMT2-RELATED; Muscular dystrophy-dystroglycanopathy (limb-girdle), type C, 2. Identifiers: Orphanet 206559, MedGen C3150418, MONDO:0013162, OMIM 613158.

Allele frequency attached by ClinVar (database versions not stated): TOPMed 0.00001; gnomAD 0.00001; gnomAD exomes 0.00001; ExAC 0.00001.
gnomAD v4.1: 11 of 1,614,022 alleles (0.00068%); highest among the groups gnomAD compares: East Asian, 0.0045%; no homozygotes.

Submissions (3):

Labcorp Genetics (formerly Invitae), Labcorp
Classification: Uncertain significance for Muscular dystrophy-dystroglycanopathy (congenital with impaired intellectual development), type B, 2; Muscular dystrophy-dystroglycanopathy (congenital with brain and eye anomalies), type A2; Autosomal recessive limb-girdle muscular dystrophy type 2N. Last evaluated: 2024-02-24. Review status: criteria provided, single submitter. Criteria: Invitae Variant Classification Sherloc (09022015). Collection method: clinical testing. Allele origin: germline.
Comment: This sequence change replaces arginine, which is basic and polar, with histidine, which is basic and polar, at codon 282 of the POMT2 protein (p.Arg282His). This variant is present in population databases (rs756132642, gnomAD 0.005%). This variant has not been reported in the literature in individuals affected with POMT2-related conditions. ClinVar contains an entry for this variant (Variation ID: 598055). Advanced modeling of protein sequence and biophysical properties (such as structural, functional, and spatial information, amino acid conservation, physicochemical variation, residue mobility, and thermodynamic stability) has been performed at Invitae for this missense variant, however the output from this modeling did not meet the statistical confidence thresholds required to predict the impact of this variant on POMT2 protein function. In summary, the available evidence is currently insufficient to determine the role of this variant in disease. Therefore, it has been classified as a Variant of Uncertain Significance.

Revvity Omics, Revvity
Classification: Uncertain significance. Last evaluated: 2019-05-20. Review status: criteria provided, single submitter. Criteria: ACMG Guidelines, 2015. Collection method: clinical testing. Allele origin: germline.

Eurofins Ntd Llc (ga)
Classification: Uncertain significance. Last evaluated: 2018-07-19. Review status: criteria provided, single submitter. Criteria: EGL ClinVar v180209 classification definitions. Collection method: clinical testing. Allele origin: germline. Observed: 1 variant allele, 1 heterozygote.

NM_013382.7(POMT2):c.845G>A (p.Arg282His)

Gene: POMT2 (protein O-mannosyltransferase 2; minus strand). Cytogenetic location: 14q24.3.
Variant type: single nucleotide variant.
Coding change: c.845G>A on transcript NM_013382.7 (MANE Select); coding-DNA position 845, G replaced by A.
Protein change: p.Arg282His; replaces arginine 282 with histidine.
Molecular consequence: missense variant.
Genome position (GRCh38, 1-based): chr14:77,299,533, C>T on the plus strand (G>A on the coding strand, the complement: POMT2 is on the minus strand). VCF-style: chr14-77299533-C-T. GRCh37 (hg19) VCF-style: chr14-77765876-C-T.
Other names: short protein forms R282H.
Identifiers: ClinVar variation 598055 (VCV000598055.15), dbSNP rs756132642, ClinGen allele CA7286062.